The following is an entry in ClinVar:

ClinVar aggregate classification (germline): Uncertain significance (1 of 4 stars; one submission).

Conditions:
Inborn genetic diseases. Identifiers: MedGen C0950123, MeSH D030342.

Submission:

Ambry Genetics
Classification: Uncertain significance for Inborn genetic diseases. Last evaluated: 2025-05-16. Review status: criteria provided, single submitter. Criteria: Ambry Variant Classification Scheme 2023. Collection method: clinical testing. Allele origin: germline.
Comment: The p.S329N variant (also known as c.986G>A), located in coding exon 9 of the CEP57 gene, results from a G to A substitution at nucleotide position 986. The serine at codon 329 is replaced by asparagine, an amino acid with highly similar properties. This amino acid position is conserved. In addition, this alteration is predicted to be tolerated by in silico analysis. Based on the available evidence, the clinical significance of this variant remains unclear.

NM_014679.5(CEP57):c.986G>A (p.Ser329Asn)

Gene: CEP57 (centrosomal protein 57; plus strand). Cytogenetic location: 11q21.
Variant type: single nucleotide variant.
Coding change: c.986G>A on transcript NM_014679.5 (MANE Select); coding-DNA position 986, G replaced by A.
Protein change: p.Ser329Asn; replaces serine 329 with asparagine.
Molecular consequence: missense variant.
Genome position (GRCh38, 1-based): chr11:95,827,886, G>A. VCF-style: chr11-95827886-G-A. GRCh37 (hg19) VCF-style: chr11-95561050-G-A.
Other names: c.959G>A, p.Ser320Asn (NM_001243776.2); c.908G>A, p.Ser303Asn (NM_001243777.2); c.905G>A, p.Ser302Asn (NM_001363604.2); short protein forms S320N, S302N, S329N, S303N.
Identifiers: ClinVar variation 4001052 (VCV004001052.1).
Genomic context (GRCh38, chr11:95,827,886, plus strand): 5'-TTGTCTTGCATCTAATGAAGCAACACAGTAAAGCTTTGTGCAATGATCGAGTCATCAACA[G>A]TATTCCTTTGGCAAAGCAAGTATCTTCACGAGGTGGTAAAAGTAAGAAGTTGTCAGTAAC-3'
Protein context (NP_055494.2, residues 319-339): KALCNDRVIN[Ser329Asn]IPLAKQVSSR